The following is an entry in ClinVar:

NM_002796.3(PSMB4):c.593T>C (p.Val198Ala)

Gene: PSMB4 (proteasome 20S subunit beta 4; plus strand). Cytogenetic location: 1q21.3.
Variant type: single nucleotide variant.
Coding change: c.593T>C on transcript NM_002796.3 (MANE Select); coding-DNA position 593, T replaced by C.
Protein change: p.Val198Ala; replaces valine 198 with alanine.
Molecular consequence: missense variant.
Genome position (GRCh38, 1-based): chr1:151,401,255, T>C. VCF-style: chr1-151401255-T-C. GRCh37 (hg19) VCF-style: chr1-151373731-T-C.
Other names: short protein forms V198A.
Identifiers: ClinVar variation 3725394 (VCV003725394.2).

ClinVar aggregate classification (germline): Uncertain significance (1 of 4 stars; one submission).

Submission:

Labcorp Genetics (formerly Invitae), Labcorp
Classification: Uncertain significance. Last evaluated: 2024-11-19. Review status: criteria provided, single submitter. Criteria: Invitae Variant Classification Sherloc (09022015). Collection method: clinical testing. Allele origin: germline.
Comment: This sequence change replaces valine, which is neutral and non-polar, with alanine, which is neutral and non-polar, at codon 198 of the PSMB4 protein (p.Val198Ala). This variant is not present in population databases (gnomAD no frequency). This variant has not been reported in the literature in individuals affected with PSMB4-related conditions. An algorithm developed to predict the effect of missense changes on protein structure and function (PolyPhen-2) suggests that this variant is likely to be tolerated. In summary, the available evidence is currently insufficient to determine the role of this variant in disease. Therefore, it has been classified as a Variant of Uncertain Significance.